The following is an entry in ClinVar:

NM_001329943.3(KIAA0586):c.3566T>C (p.Met1189Thr)

Gene: KIAA0586 (KIAA0586; plus strand). Cytogenetic location: 14q23.1.
Variant type: single nucleotide variant.
Coding change: c.3566T>C on transcript NM_001329943.3 (MANE Select); coding-DNA position 3566, T replaced by C.
Protein change: p.Met1189Thr; replaces methionine 1189 with threonine.
Molecular consequence: missense variant.
Genome position (GRCh38, 1-based): chr14:58,488,659, T>C. VCF-style: chr14-58488659-T-C. GRCh37 (hg19) VCF-style: chr14-58955377-T-C.
Other names: c.3725T>C, p.Met1242Thr (NM_001244189.2); c.3521T>C, p.Met1174Thr (NM_001244190.2); c.3311T>C, p.Met1104Thr (NM_001244191.2, NM_001329945.2, NM_001364700.1 and 1 more transcripts); c.3434T>C, p.Met1145Thr (NM_001244192.2); c.3146T>C, p.Met1049Thr (NM_001244193.2); c.3566T>C, p.Met1189Thr (NM_001329944.2, NM_001329946.2, NM_001329947.2); c.3338T>C, p.Met1113Thr (NM_014749.5); short protein forms M1049T, M1145T, M1189T, M1113T, M1242T, M1104T, M1174T.
Identifiers: ClinVar variation 2079689 (VCV002079689.4), dbSNP rs746234173, ClinGen allele CA7206205.

ClinVar aggregate classification (germline): Uncertain significance (1 of 4 stars; one submission).

Conditions:
Short-rib thoracic dysplasia 14 with polydactyly (SRTD14). Identifiers: Orphanet 397715, MedGen C4225286, MONDO:0014688, OMIM 616546.
Joubert syndrome 23 (JBTS23). Identifiers: Orphanet 475, MedGen C4084822, MONDO:0014664, OMIM 616490.

Allele frequency attached by ClinVar (database versions not stated): ExAC 0.00002; gnomAD 0.00002; TOPMed 0.00002; gnomAD exomes 0.00003.

Submission:

Labcorp Genetics (formerly Invitae), Labcorp
Classification: Uncertain significance for Joubert syndrome 23; Short-rib thoracic dysplasia 14 with polydactyly. Last evaluated: 2023-07-07. Review status: criteria provided, single submitter. Criteria: Invitae Variant Classification Sherloc (09022015). Collection method: clinical testing. Allele origin: germline.
Comment: This variant is present in population databases (rs746234173, gnomAD 0.03%). This sequence change replaces methionine, which is neutral and non-polar, with threonine, which is neutral and polar, at codon 1242 of the KIAA0586 protein (p.Met1242Thr). This variant has not been reported in the literature in individuals affected with KIAA0586-related conditions. In summary, the available evidence is currently insufficient to determine the role of this variant in disease. Therefore, it has been classified as a Variant of Uncertain Significance. Advanced modeling of protein sequence and biophysical properties (such as structural, functional, and spatial information, amino acid conservation, physicochemical variation, residue mobility, and thermodynamic stability) performed at Invitae indicates that this missense variant is not expected to disrupt KIAA0586 protein function. ClinVar contains an entry for this variant (Variation ID: 2079689).